The following is an entry in ClinVar:

ClinVar aggregate classification (germline): Uncertain significance. Review status: criteria provided, single submitter (1 of 4 stars). 2 submissions from 2 submitters: Uncertain significance (1). 1 of the submissions does not count toward it. Last evaluated 2023-07-03.

Conditions:
Cohen syndrome (COH1). Also called: PEPPER SYNDROME; Cutis verticis gyrata, retinitis pigmentosa, and sensorineural deafness. Identifiers: Orphanet 193, MedGen C0265223, MONDO:0008999, OMIM 216550.
VPS13B-related disorder. Also called: VPS13B-related condition.

Allele frequency attached by ClinVar (database versions not stated): gnomAD exomes below 0.00001; TOPMed below 0.00001.
gnomAD v4.1: 5 of 1,613,946 alleles (0.00031%); highest among the groups gnomAD compares: Non-Finnish European, 0.00042%; no homozygotes.

Submissions (2):

Labcorp Genetics (formerly Invitae), Labcorp
Classification: Uncertain significance for Cohen syndrome. Last evaluated: 2023-07-03. Review status: criteria provided, single submitter. Criteria: Invitae Variant Classification Sherloc (09022015). Collection method: clinical testing. Allele origin: germline.
Comment: This sequence change falls in intron 28 of the VPS13B gene. It does not directly change the encoded amino acid sequence of the VPS13B protein. It affects a nucleotide within the consensus splice site. This variant is not present in population databases (gnomAD no frequency). This variant has not been reported in the literature in individuals affected with VPS13B-related conditions. ClinVar contains an entry for this variant (Variation ID: 1986711). Variants that disrupt the consensus splice site are a relatively common cause of aberrant splicing (PMID: 17576681, 9536098). Algorithms developed to predict the effect of sequence changes on RNA splicing suggest that this variant may disrupt the consensus splice site. In summary, the available evidence is currently insufficient to determine the role of this variant in disease. Therefore, it has been classified as a Variant of Uncertain Significance.

PreventionGenetics, part of Exact Sciences
Classification: Likely benign for VPS13B-related condition. Last evaluated: 2024-02-22. Review status: no assertion criteria provided. Collection method: clinical testing. Allele origin: germline. Not counted in ClinVar's aggregate classification.
Comment: This variant is classified as likely benign based on ACMG/AMP sequence variant interpretation guidelines (Richards et al. 2015 PMID: 25741868, with internal and published modifications).

Literature cited by the submitters: PubMed 17576681 (cited by Labcorp Genetics (formerly Invitae), Labcorp); PubMed 9536098 (cited by Labcorp Genetics (formerly Invitae), Labcorp).

NM_152564.5(VPS13B):c.4224+713G>T

Gene: VPS13B (vacuolar protein sorting 13 homolog B; plus strand). Cytogenetic location: 8q22.2.
Variant type: single nucleotide variant.
Coding change: c.4224+713G>T on transcript NM_152564.5 (MANE Select); 713 bases into the intron after coding-DNA position 4224, G replaced by T.
Molecular consequence: intron variant.
Genome position (GRCh38, 1-based): chr8:99,507,916, G>T. VCF-style: chr8-99507916-G-T. GRCh37 (hg19) VCF-style: chr8-100520144-G-T.
Other names: c.4299+5G>T (NM_017890.5, NM_017890.4).
Identifiers: ClinVar variation 1986711 (VCV001986711.5), dbSNP rs1648101337, ClinGen allele CA1117108005.